The following is an entry in ClinVar:

NM_014140.4(SMARCAL1):c.982C>T (p.Leu328Phe)

Gene: SMARCAL1 (SNF2 related chromatin remodeling annealing helicase 1; plus strand). Cytogenetic location: 2q35.
Variant type: single nucleotide variant.
Coding change: c.982C>T on transcript NM_014140.4 (MANE Select); coding-DNA position 982, C replaced by T.
Protein change: p.Leu328Phe; replaces leucine 328 with phenylalanine.
Molecular consequence: missense variant.
Genome position (GRCh38, 1-based): chr2:216,420,418, C>T. VCF-style: chr2-216420418-C-T. GRCh37 (hg19) VCF-style: chr2-217285141-C-T.
Other names: p.Leu328Phe; c.982C>T, p.Leu328Phe (NM_001127207.2); c.982C>T (NM_014140.3); short protein forms L328F.
Identifiers: ClinVar variation 1434107 (VCV001434107.6), dbSNP rs909294272, ClinGen allele CA65581867.

ClinVar aggregate classification (germline): Uncertain significance. Review status: criteria provided, multiple submitters, no conflicts (2 of 4 stars). 4 submissions from 4 submitters: Uncertain significance (4). Last evaluated 2025-01-18.

Conditions:
Inborn genetic diseases. Identifiers: MedGen C0950123, MeSH D030342.
Schimke immuno-osseous dysplasia (SIOD). Also called: Schimke Immunoosseous Dysplasia. Identifiers: Orphanet 1830, MedGen C0877024, MONDO:0009458, OMIM 242900.

Allele frequency attached by ClinVar (database versions not stated): gnomAD 0.00002; TOPMed 0.00003.
gnomAD v4.1: 103 of 1,614,080 alleles (0.0064%); highest among the groups gnomAD compares: Non-Finnish European, 0.0086%; no homozygotes.

Submissions (4):

Ambry Genetics
Classification: Uncertain significance for Inborn genetic diseases. Last evaluated: 2025-01-18. Review status: criteria provided, single submitter. Criteria: Ambry Variant Classification Scheme 2023. Collection method: clinical testing. Allele origin: germline.

Mayo Clinic Laboratories, Mayo Clinic
Classification: Uncertain significance. Last evaluated: 2024-01-16. Review status: criteria provided, single submitter. Criteria: ACMG Guidelines, 2015. Collection method: clinical testing. Allele origin: germline. Observed: 1 variant allele.

Labcorp Genetics (formerly Invitae), Labcorp
Classification: Uncertain significance for Schimke immuno-osseous dysplasia. Last evaluated: 2022-05-23. Review status: criteria provided, single submitter. Criteria: Invitae Variant Classification Sherloc (09022015). Collection method: clinical testing. Allele origin: germline.
Comment: This sequence change replaces leucine, which is neutral and non-polar, with phenylalanine, which is neutral and non-polar, at codon 328 of the SMARCAL1 protein (p.Leu328Phe). This variant is present in population databases (no rsID available, gnomAD 0.007%). This variant has not been reported in the literature in individuals affected with SMARCAL1-related conditions. Algorithms developed to predict the effect of missense changes on protein structure and function are either unavailable or do not agree on the potential impact of this missense change (SIFT: "Deleterious"; PolyPhen-2: "Possibly Damaging"; Align-GVGD: "Class C0"). In summary, the available evidence is currently insufficient to determine the role of this variant in disease. Therefore, it has been classified as a Variant of Uncertain Significance.

Fulgent Genetics
Classification: Uncertain significance for Schimke immuno-osseous dysplasia. Last evaluated: 2022-03-04. Review status: criteria provided, single submitter. Criteria: ACMG Guidelines, 2015. Collection method: clinical testing. Allele origin: unknown.